The following is an entry in ClinVar:

ClinVar aggregate classification (germline): Uncertain significance (1 of 4 stars; one submission).

Allele frequency attached by ClinVar (database versions not stated): gnomAD exomes 0.00003; gnomAD 0.00004; TOPMed 0.00004; ExAC 0.00012.
gnomAD v4.1: 51 of 1,569,024 alleles (0.0033%); highest among the groups gnomAD compares: East Asian, 0.082%; 1 homozygote.

Submission:

Labcorp Genetics (formerly Invitae), Labcorp
Classification: Uncertain significance. Last evaluated: 2022-11-22. Review status: criteria provided, single submitter. Criteria: Invitae Variant Classification Sherloc (09022015). Collection method: clinical testing. Allele origin: germline.
Comment: This sequence change replaces arginine, which is basic and polar, with glutamine, which is neutral and polar, at codon 2362 of the FBN3 protein (p.Arg2362Gln). This variant is present in population databases (rs778956448, gnomAD 0.03%). This variant has not been reported in the literature in individuals affected with FBN3-related conditions. Algorithms developed to predict the effect of missense changes on protein structure and function output the following: SIFT: "Not Available"; PolyPhen-2: "Benign"; Align-GVGD: "Not Available". The glutamine amino acid residue is found in multiple mammalian species, which suggests that this missense change does not adversely affect protein function. In summary, the available evidence is currently insufficient to determine the role of this variant in disease. Therefore, it has been classified as a Variant of Uncertain Significance.

NM_032447.5(FBN3):c.7085G>A (p.Arg2362Gln)

Gene: FBN3 (fibrillin 3; minus strand). Cytogenetic location: 19p13.2.
Variant type: single nucleotide variant.
Coding change: c.7085G>A on transcript NM_032447.5 (MANE Select); coding-DNA position 7085, G replaced by A.
Protein change: p.Arg2362Gln; replaces arginine 2362 with glutamine.
Molecular consequence: missense variant.
Genome position (GRCh38, 1-based): chr19:8,085,365, C>T on the plus strand (G>A on the coding strand, the complement: FBN3 is on the minus strand). VCF-style: chr19-8085365-C-T. GRCh37 (hg19) VCF-style: chr19-8150249-C-T.
Other names: c.7085G>A, p.Arg2362Gln (NM_001321431.2); short protein forms R2362Q.
Identifiers: ClinVar variation 1915764 (VCV001915764.5), dbSNP rs778956448, ClinGen allele CA9151015.